The following is an entry in ClinVar:

ClinVar aggregate classification (germline): Uncertain significance (1 of 4 stars; one submission).

Conditions:
Ehlers-Danlos syndrome, type 4 (EDSVASC). Also called: Ehlers-Danlos syndrome vascular type; Ehlers Danlos syndrome, ecchymotic type; Ehlers Danlos syndrome, arterial type; Ehlers Danlos syndrome, Sack-Barabas type; Ehlers-Danlos Syndrome Type IV. Identifiers: Orphanet 286, MedGen C0268338, MONDO:0017314, OMIM 130050.

Submission:

Labcorp Genetics (formerly Invitae), Labcorp
Classification: Uncertain significance for Ehlers-Danlos syndrome, type 4. Last evaluated: 2021-12-25. Review status: criteria provided, single submitter. Criteria: Invitae Variant Classification Sherloc (09022015). Collection method: clinical testing. Allele origin: germline.
Comment: This sequence change replaces proline, which is neutral and non-polar, with serine, which is neutral and polar, at codon 1138 of the COL3A1 protein (p.Pro1138Ser). This variant is not present in population databases (gnomAD no frequency). This variant has not been reported in the literature in individuals affected with COL3A1-related conditions. Advanced modeling of protein sequence and biophysical properties (such as structural, functional, and spatial information, amino acid conservation, physicochemical variation, residue mobility, and thermodynamic stability) performed at Invitae indicates that this missense variant is not expected to disrupt COL3A1 protein function. In summary, the available evidence is currently insufficient to determine the role of this variant in disease. Therefore, it has been classified as a Variant of Uncertain Significance.

NM_000090.4(COL3A1):c.3412C>T (p.Pro1138Ser)

Gene: COL3A1 (collagen type III alpha 1 chain; plus strand). Cytogenetic location: 2q32.2.
Variant type: single nucleotide variant.
Coding change: c.3412C>T on transcript NM_000090.4 (MANE Select); coding-DNA position 3412, C replaced by T.
Protein change: p.Pro1138Ser; replaces proline 1138 with serine.
Molecular consequence: missense variant.
Genome position (GRCh38, 1-based): chr2:189,007,933, C>T. VCF-style: chr2-189007933-C-T. GRCh37 (hg19) VCF-style: chr2-189872659-C-T.
Other names: short protein forms P1138S.
Identifiers: ClinVar variation 2061160 (VCV002061160.1), dbSNP rs2153503952, ClinGen allele CA349846208.